The following is an entry in ClinVar:

NM_000278.5(PAX2):c.2T>A (p.Met1Lys)

Gene: PAX2 (paired box 2; plus strand). Cytogenetic location: 10q24.31.
Variant type: single nucleotide variant.
Coding change: c.2T>A on transcript NM_000278.5 (MANE Select); coding-DNA position 2, T replaced by A.
Protein change: p.Met1Lys; changes the start codon (methionine 1).
Molecular consequence: missense variant, initiator codon variant.
Genome position (GRCh38, 1-based): chr10:100,746,262, T>A. VCF-style: chr10-100746262-T-A. GRCh37 (hg19) VCF-style: chr10-102506019-T-A.
Other names: c.95T>A, p.Met32Lys (NM_001304569.2, NM_001374303.1); c.2T>A, p.Met1Lys (NM_003987.5, NM_003988.5, NM_003989.5 and 1 more transcripts); short protein forms M1K, M32K.
Identifiers: ClinVar variation 3629962 (VCV003629962.2).

ClinVar aggregate classification (germline): Uncertain significance (1 of 4 stars; one submission).

Submission:

Women's Health and Genetics/Laboratory Corporation of America, LabCorp
Classification: Uncertain significance. Last evaluated: 2025-12-02. Review status: criteria provided, single submitter. Criteria: LabCorp Variant Classification Summary - May 2015. Collection method: clinical testing. Allele origin: germline.
Comment: Variant summary: PAX2 c.2T>A (p.Met1Lys) alters the initiation codon and is predicted to result either in absence of the protein or truncation of the encoded protein due to translation initiation at a downstream codon. An alternative downstream in-frame start codon (p.Met3) is located in exon 1 of the encoded protein. No start codon variants have been associated disease. The variant allele was found at a frequency of 4e-06 in 248590 control chromosomes. The available data on variant occurrences in the general population are insufficient to allow any conclusion about variant significance. c.2T>A has been reported in the literature in an individual affected with congenital primary aphakia (e.g., Ernst_2022). This report does not provide unequivocal conclusions about association of the variant with PAX2-Related Disorders. To our knowledge, no experimental evidence demonstrating an impact on protein function has been reported. The following publication has been ascertained in the context of this evaluation (PMID: 35051625). ClinVar contains an entry for this variant (Variation ID: 3629962). Based on the evidence outlined above, the variant was classified as uncertain significance.

Literature cited by the submitters: PubMed 35051625.